The following is an entry in ClinVar:

NM_000666.3(ACY1):c.1058G>A (p.Arg353His)

Genes: ABHD14A-ACY1 (ABHD14A-ACY1 readthrough; plus strand), ACY1 (aminoacylase 1; plus strand). Cytogenetic location: 3p21.2.
Variant type: single nucleotide variant.
Coding change: c.1058G>A on transcript NM_000666.3 (MANE Select); coding-DNA position 1058, G replaced by A.
Protein change: p.Arg353His; replaces arginine 353 with histidine.
Molecular consequence: missense variant.
Genome position (GRCh38, 1-based): chr3:51,988,822, G>A. VCF-style: chr3-51988822-G-A. GRCh37 (hg19) VCF-style: chr3-52022838-G-A.
Other names: c.1328G>A, p.Arg443His (NM_001316331.2); c.1058G>A, p.Arg353His (NM_001198895.2); c.842G>A, p.Arg281His (NM_001198896.2); c.863G>A, p.Arg288His (NM_001198897.2); c.953G>A, p.Arg318His (NM_001198898.2); short protein forms R281H, R288H, R318H, R353H, R443H.
Identifiers: ClinVar variation 1691556 (VCV001691556.5), dbSNP rs779815701, ClinGen allele CA2428732.

ClinVar aggregate classification (germline): Uncertain significance. Review status: criteria provided, multiple submitters, no conflicts (2 of 4 stars). 2 submissions from 2 submitters: Uncertain significance (2). Last evaluated 2022-04-26.

Conditions:
Aminoacylase 1 deficiency. Also called: Neurological conditions associated with aminoacylase 1 deficiency. Identifiers: Orphanet 137754, MedGen C1835922, MONDO:0012368, OMIM 609924.

Allele frequency attached by ClinVar (database versions not stated): TOPMed below 0.00001; ExAC 0.00003; gnomAD exomes 0.00003.
gnomAD v4.1: 45 of 1,614,148 alleles (0.0028%); highest among the groups gnomAD compares: Admixed American, 0.012%; no homozygotes.

Submissions (2):

Centre of Medical Genetics, University Hospital Muenster
Classification: Uncertain significance for Aminoacylase 1 deficiency. Last evaluated: 2022-04-26. Review status: criteria provided, single submitter. Criteria: ACMG Guidelines, 2015. Collection method: clinical testing. Allele origin: unknown. Affected: yes. Observed: 1 variant allele, 1 heterozygote.
Comment: ACMG categories: PM2,PP3

Juno Genomics, Hangzhou Juno Genomics, Inc
Classification: Uncertain significance for Aminoacylase 1 deficiency. Review status: criteria provided, single submitter. Criteria: ACMG Guidelines, 2015. Collection method: clinical testing. Allele origin: germline. Affected: yes.
Comment: Absent from controls (or at extremely low frequency if recessive) in Genome Aggregation Database, Exome Sequencing Project, 1000 Genomes Project, or Exome Aggregation Consortium.;Multiple lines of computational evidence support a deleterious effect on the gene or gene product (conservation, evolutionary, splicing impact, etc).